The following is an entry in ClinVar:

ClinVar aggregate classification (germline): Likely benign (0 of 4 stars; one submission).

Conditions:
SHANK2-related disorder.

Allele frequency attached by ClinVar (database versions not stated): gnomAD exomes 0.00015; gnomAD 0.00029; 1000 Genomes Project 30x 0.00016; ExAC 0.00050; TOPMed 0.00002; 1000 Genomes Project 0.00020.
gnomAD v4.1: 246 of 1,551,650 alleles (0.016%); highest among the groups gnomAD compares: South Asian, 0.0036%; no homozygotes.

Submission:

PreventionGenetics, part of Exact Sciences
Classification: Likely benign for SHANK2-related condition. Last evaluated: 2019-10-14. Review status: no assertion criteria provided. Collection method: clinical testing. Allele origin: germline.
Comment: This variant is classified as likely benign based on ACMG/AMP sequence variant interpretation guidelines (Richards et al. 2015 PMID: 25741868, with internal and published modifications).

NM_012309.5(SHANK2):c.823G>A (p.Gly275Arg)

Gene: SHANK2 (SH3 and multiple ankyrin repeat domains 2; minus strand). Cytogenetic location: 11q13.4.
Variant type: single nucleotide variant.
Coding change: c.823G>A on transcript NM_012309.5 (MANE Select); coding-DNA position 823, G replaced by A.
Protein change: p.Gly275Arg; replaces glycine 275 with arginine.
Molecular consequence: missense variant.
Genome position (GRCh38, 1-based): chr11:71,092,511, C>T on the plus strand (G>A on the coding strand, the complement: SHANK2 is on the minus strand). VCF-style: chr11-71092511-C-T. GRCh37 (hg19) VCF-style: chr11-70803557-C-T.
Other names: short protein forms G275R.
Identifiers: ClinVar variation 3045867 (VCV003045867.2), dbSNP rs566666627, ClinGen allele CA6162067.